The following is an entry in ClinVar:

NM_001375567.1(FOCAD):c.955C>G (p.Gln319Glu)

Gene: FOCAD (focadhesin; plus strand). Cytogenetic location: 9p21.3.
Variant type: single nucleotide variant.
Coding change: c.955C>G on transcript NM_001375567.1 (MANE Select); coding-DNA position 955, C replaced by G.
Protein change: p.Gln319Glu; replaces glutamine 319 with glutamic acid.
Molecular consequence: missense variant.
Genome position (GRCh38, 1-based): chr9:20,778,729, C>G. VCF-style: chr9-20778729-C-G. GRCh37 (hg19) VCF-style: chr9-20778728-C-G.
Other names: c.955C>G, p.Gln319Glu (NM_001375568.1, NM_017794.5); c.850C>G, p.Gln284Glu (NM_001375570.1); short protein forms Q284E, Q319E.
Identifiers: ClinVar variation 4725950 (VCV004725950.1).
Genomic context (GRCh38, chr9:20,778,729, plus strand): 5'-CTATTCTTTTAGGATTTTCCTGTTGAACTGGTCATAATTGGAATAGCTTTACTACTTCTA[C>G]AGACTCCAGCAAGTCAGCAGAAGCCAATCTTAAATCTAGGTAAATAAAAATACAGTCACT-3'
Protein context (NP_001362496.1, residues 309-329): VIIGIALLLL[Gln319Glu]TPASQQKPIL

ClinVar aggregate classification (germline): Uncertain significance (1 of 4 stars; one submission).

Submission:

Labcorp Genetics (formerly Invitae), Labcorp
Classification: Uncertain significance. Last evaluated: 2025-08-24. Review status: criteria provided, single submitter. Criteria: Invitae Variant Classification Sherloc (09022015). Collection method: clinical testing. Allele origin: germline.
Comment: This sequence change replaces glutamine, which is neutral and polar, with glutamic acid, which is acidic and polar, at codon 319 of the FOCAD protein (p.Gln319Glu). This variant is not present in population databases (gnomAD no frequency). This variant has not been reported in the literature in individuals affected with FOCAD-related conditions. Experimental studies and prediction algorithms are not available or were not evaluated, and the functional significance of this variant is currently unknown. In summary, the available evidence is currently insufficient to determine the role of this variant in disease. Therefore, it has been classified as a Variant of Uncertain Significance.